The following is an entry in ClinVar:

NM_181336.4(LEMD2):c.665T>C (p.Leu222Pro)

Gene: LEMD2 (LEM domain nuclear envelope protein 2; minus strand). Cytogenetic location: 6p21.31.
Variant type: single nucleotide variant.
Coding change: c.665T>C on transcript NM_181336.4 (MANE Select); coding-DNA position 665, T replaced by C.
Protein change: p.Leu222Pro; replaces leucine 222 with proline.
Molecular consequence: missense variant. On other transcripts: intron variant (2).
Genome position (GRCh38, 1-based): chr6:33,788,452, A>G on the plus strand (T>C on the coding strand, the complement: LEMD2 is on the minus strand). VCF-style: chr6-33788452-A-G. GRCh37 (hg19) VCF-style: chr6-33756229-A-G.
Other names: c.342+323T>C (NM_001348710.2); c.-171+323T>C (NM_001348709.2); short protein forms L222P.
Identifiers: ClinVar variation 2781191 (VCV002781191.3), dbSNP rs2533383013, ClinGen allele CA363696268.
Genomic context (GRCh38, chr6:33,788,452, plus strand): 5'-GCCTCCTGCGGCGCTGAGGGCTTGCCCATCTTCACCCAAAGGATGCCCAGGAAGACGAGC[A>G]GTAGCCCTAGGCTGGCCCAGAGCAGAAGCCGAGAGAGCCAGCGCTCCAGCCGGCGCCCCA-3'
Protein context (NP_851853.1, residues 212-232): RLLLWASLGL[Leu222Pro]LVFLGILWVK

ClinVar aggregate classification (germline): Uncertain significance (1 of 4 stars; one submission).

Submission:

Labcorp Genetics (formerly Invitae), Labcorp
Classification: Uncertain significance. Last evaluated: 2024-10-24. Review status: criteria provided, single submitter. Criteria: Invitae Variant Classification Sherloc (09022015). Collection method: clinical testing. Allele origin: germline.
Comment: This sequence change replaces leucine, which is neutral and non-polar, with proline, which is neutral and non-polar, at codon 222 of the LEMD2 protein (p.Leu222Pro). This variant is not present in population databases (gnomAD no frequency). This variant has not been reported in the literature in individuals affected with LEMD2-related conditions. An algorithm developed to predict the effect of missense changes on protein structure and function (PolyPhen-2) suggests that this variant is likely to be disruptive. In summary, the available evidence is currently insufficient to determine the role of this variant in disease. Therefore, it has been classified as a Variant of Uncertain Significance.